The following is an entry in ClinVar:

NM_032578.4(MYPN):c.1246-1G>T

Gene: MYPN (myopalladin; plus strand). Cytogenetic location: 10q21.3.
Variant type: single nucleotide variant.
Coding change: c.1246-1G>T on transcript NM_032578.4 (MANE Select); the canonical splice acceptor site of the intron before coding-DNA position 1246, G replaced by T.
Molecular consequence: splice acceptor variant.
Genome position (GRCh38, 1-based): chr10:68,150,039, G>T. VCF-style: chr10-68150039-G-T. GRCh37 (hg19) VCF-style: chr10-69909796-G-T.
Other names: c.1246-1G>T (NM_001256267.2); c.364-1G>T (NM_001256268.2).
Identifiers: ClinVar variation 1759508 (VCV001759508.2), dbSNP rs2134097275, ClinGen allele CA376833039.

ClinVar aggregate classification (germline): Uncertain significance (1 of 4 stars; one submission).

Conditions:
Cardiovascular phenotype. Identifiers: MedGen CN230736.

Submission:

Ambry Genetics
Classification: Uncertain significance for Cardiovascular phenotype. Last evaluated: 2021-09-03. Review status: criteria provided, single submitter. Criteria: Ambry Variant Classification Scheme 2023. Collection method: clinical testing. Allele origin: germline.
Comment: The c.1246-1G>T intronic variant results from a G to T substitution one nucleotide upstream from coding exon 5 of the MYPN gene. Alterations that disrupt the canonical splice site are expected to result in aberrant splicing. In silico splice site analysis predicts that this alteration may weaken the native splice acceptor site. The resulting transcript is predicted to be in-frame and is not expected to trigger nonsense-mediated mRNAdecay; however, direct evidence is unavailable. The exact functional effect of the altered amino acid sequence is unknown. This nucleotide position is highly conserved in available vertebrate species. Since supporting evidence is limited at this time, the clinical significance of this alteration remains unclear.